The following is an entry in ClinVar:

ClinVar aggregate classification (germline): Uncertain significance (1 of 4 stars; one submission).

Conditions:
Hypotrichosis 7 (HYPT7). Also called: HYPOTRICHOSIS, LOCALIZED, AUTOSOMAL RECESSIVE 2; HYPOTRICHOSIS, AUTOSOMAL RECESSIVE. Identifiers: Orphanet 55654, MedGen C1836672, MONDO:0011452, OMIM 604379.

Submission:

Department of Pediatric Genetics, University of Health Sciences, Ankara Bilkent City Children’s Hospital
Classification: Uncertain significance for Hypotrichosis 7. Last evaluated: 2024-12-01. Review status: criteria provided, single submitter. Criteria: ACMG Guidelines, 2015. Collection method: clinical testing. Allele origin: biparental. Affected: yes.
Comment: The c.1301_1302insA (p.Met434IlefsTer5) variant in the LIPH gene (NM_139248.3) is a frameshift variant located in exon 10 and has not been previously reported in ClinVar. This variant is predicted to result in loss of function due to a truncated or absent protein (PVS1). The allele frequency of this variant is not reported, and it is absent from population databases such as gnomAD (PM2). PM3 was applied based on the identification of the variant in a homozygous state in a patient with a clinically consistent autosomal recessive disorder. In summary, this variant meets the criteria to be classified as of uncertain significance for Woolly hair, autosomal recessive 2 with or without hypotrichosis (#604379), based on the ACMG guidelines (Richards et al., 2015), with supporting evidence from criteria PVS1, PM3, and PM2.

NM_139248.3(LIPH):c.1301_1302insA (p.Met434fs)

Gene: LIPH (lipase H; minus strand). Cytogenetic location: 3q27.2.
Variant type: Insertion.
Coding change: c.1301_1302insA on transcript NM_139248.3 (MANE Select); coding-DNA positions 1301 to 1302, A inserted.
Protein change: p.Met434fs; shifts the reading frame from methionine 434.
Molecular consequence: frameshift variant.
Genome position: GRCh38 VCF-style: chr3-185508844-C-CT. GRCh37 (hg19) VCF-style: chr3-185226632-C-CT.
Other names: short protein forms M434fs.
Identifiers: ClinVar variation 4073584 (VCV004073584.1).